The following is an entry in ClinVar:

NM_080680.3(COL11A2):c.1917+5G>A

Gene: COL11A2 (collagen type XI alpha 2 chain; minus strand). Cytogenetic location: 6p21.32.
Variant type: single nucleotide variant.
Coding change: c.1917+5G>A on transcript NM_080680.3 (MANE Select); 5 bases into the intron after coding-DNA position 1917, G replaced by A.
Molecular consequence: intron variant.
Genome position (GRCh38, 1-based): chr6:33,177,657, C>T on the plus strand (G>A on the coding strand, the complement: COL11A2 is on the minus strand). VCF-style: chr6-33177657-C-T. GRCh37 (hg19) VCF-style: chr6-33145434-C-T.
Other names: c.891+5G>A (NM_001424111.1, NM_001424110.1); c.1596+5G>A (NM_080679.3); c.1659+5G>A (NM_080681.3); c.1737+5G>A (NM_001424108.1); c.1071+5G>A (NM_001424109.1).
Identifiers: ClinVar variation 4725903 (VCV004725903.1).
Genomic context (GRCh38, chr6:33,177,657, plus strand): 5'-AACAGGATGCTGGCAGGGACCTCGGGGGATAAGAATGGGGGTGGGATCTCCTATCCATCA[C>T]TCACCAAGCTCCCTTTGGGGCCCTGGGGACCATCCATGCCTCGGACGCCCTGAAACACAA-3'

ClinVar aggregate classification (germline): Uncertain significance (1 of 4 stars; one submission).

Submission:

Labcorp Genetics (formerly Invitae), Labcorp
Classification: Uncertain significance. Last evaluated: 2025-08-24. Review status: criteria provided, single submitter. Criteria: Invitae Variant Classification Sherloc (09022015). Collection method: clinical testing. Allele origin: germline.
Comment: This sequence change falls in intron 22 of the COL11A2 gene. It does not directly change the encoded amino acid sequence of the COL11A2 protein. It affects a nucleotide within the consensus splice site. This variant is not present in population databases (gnomAD no frequency). This variant has not been reported in the literature in individuals affected with COL11A2-related conditions. Variants that disrupt the consensus splice site are a relatively common cause of aberrant splicing (PMID: 17576681, 9536098). Algorithms developed to predict the effect of sequence changes on RNA splicing suggest that this variant may disrupt the consensus splice site. In summary, the available evidence is currently insufficient to determine the role of this variant in disease. Therefore, it has been classified as a Variant of Uncertain Significance.

Literature cited by the submitters: PubMed 17576681; PubMed 9536098.